The following is an entry in ClinVar:

NM_139076.3(ABRAXAS1):c.87+1G>A

Genes: ABRAXAS1 (abraxas 1, BRCA1 A complex subunit; minus strand), LOC129992784 (ATAC-STARR-seq lymphoblastoid silent region 15542; plus strand). Cytogenetic location: 4q21.23.
Variant type: single nucleotide variant.
Coding change: c.87+1G>A on transcript NM_139076.3 (MANE Select); the canonical splice donor site of the intron after coding-DNA position 87, G replaced by A.
Molecular consequence: splice donor variant.
Genome position (GRCh38, 1-based): chr4:83,484,985, C>T on the plus strand (G>A on the coding strand, the complement: ABRAXAS1 is on the minus strand). VCF-style: chr4-83484985-C-T. GRCh37 (hg19) VCF-style: chr4-84406138-C-T.
Other names: c.-174+1G>A (NM_001345962.2).
Identifiers: ClinVar variation 1021014 (VCV001021014.7), dbSNP rs1283259911, ClinGen allele CA357263860.

ClinVar aggregate classification (germline): Uncertain significance (1 of 4 stars; one submission).

Allele frequency attached by ClinVar (database versions not stated): TOPMed below 0.00001; gnomAD 0.00001.

Submission:

Labcorp Genetics (formerly Invitae), Labcorp
Classification: Uncertain significance. Last evaluated: 2023-07-31. Review status: criteria provided, single submitter. Criteria: Invitae Variant Classification Sherloc (09022015). Collection method: clinical testing. Allele origin: germline.
Comment: In summary, the available evidence is currently insufficient to determine the role of this variant in disease. Therefore, it has been classified as a Variant of Uncertain Significance. Algorithms developed to predict the effect of sequence changes on RNA splicing suggest that this variant may disrupt the consensus splice site. ClinVar contains an entry for this variant (Variation ID: 1021014). This variant has not been reported in the literature in individuals affected with ABRAXAS1-related conditions. This variant is not present in population databases (gnomAD no frequency). This sequence change affects a donor splice site in intron 1 of the ABRAXAS1 gene. It is expected to disrupt RNA splicing. Variants that disrupt the donor or acceptor splice site typically lead to a loss of protein function (PMID: 16199547), however the current clinical and genetic evidence is not sufficient to establish whether loss-of-function variants in ABRAXAS1 cause disease.

Literature cited by the submitters: PubMed 16199547.